The following is an entry in ClinVar:

NM_016938.5(EFEMP2):c.695_696del (p.Gly231_Tyr232insTer)

Gene: EFEMP2 (EGF-like fibulin extracellular matrix protein 2; minus strand). Cytogenetic location: 11q13.1.
Variant type: Deletion.
Coding change: c.695_696del on transcript NM_016938.5 (MANE Select); coding-DNA positions 695 to 696, 2 bases deleted (AT; older notation c.695_696delAT).
Protein change: p.Gly231_Tyr232insTer.
Molecular consequence: nonsense. On other transcripts: non-coding transcript variant (1).
Genome position (GRCh38, 1-based): chr11:65,869,888-65,869,889, AT deleted on the plus strand (AT on the coding strand, the reverse complement: EFEMP2 is on the minus strand); deleting any 2 consecutive bases within chr11:65,869,888-65,869,890 gives the same sequence; the c. name uses the placement nearest the transcript's 3' end. VCF-style (leftmost placement, unchanged base first): chr11-65869887-CAT-C. GRCh37 (hg19) VCF-style: chr11-65637358-CAT-C.
Identifiers: ClinVar variation 4727036 (VCV004727036.1).
Genomic context (GRCh38, chr11:65,869,887, plus strand): 5'-AGGAGTACACAGCAGGGATGGAGCTCTCACCACTGCAGGAGAAGCCATCCCGATGCAGCT[CAT>C]AGCCCTGGTGGCAGCGACACAGGAAGGTCCCATAGGAGTTGAAGCAGCGCTGCTCGCATG-3'

ClinVar aggregate classification (germline): Pathogenic (1 of 4 stars; one submission).

Conditions:
Cutis laxa, autosomal recessive, type 1B (ARCL1B). Also called: CUTIS LAXA, AUTOSOMAL RECESSIVE, TYPE IB; EFEMP2-Related Cutis Laxa. Identifiers: Orphanet 90349, MedGen C3280798, MONDO:0013754, OMIM 614437. Disease mechanism: loss of function.

Submission:

Labcorp Genetics (formerly Invitae), Labcorp
Classification: Pathogenic for Cutis laxa, autosomal recessive, type 1B. Last evaluated: 2025-09-16. Review status: criteria provided, single submitter. Criteria: Invitae Variant Classification Sherloc (09022015). Collection method: clinical testing. Allele origin: germline.
Comment: This sequence change creates a premature translational stop signal (p.Tyr232*) in the EFEMP2 gene. It is expected to result in an absent or disrupted protein product. Loss-of-function variants in EFEMP2 are known to be pathogenic (PMID: 17937443). This variant is present in population databases (rs778125262, gnomAD 0.003%). This variant has not been reported in the literature in individuals affected with EFEMP2-related conditions. For these reasons, this variant has been classified as Pathogenic.

Literature cited by the submitters: PubMed 17937443.